The following is an entry in ClinVar:

ClinVar aggregate classification (germline): Uncertain significance (1 of 4 stars; one submission).

Submission:

Labcorp Genetics (formerly Invitae), Labcorp
Classification: Uncertain significance. Last evaluated: 2023-01-15. Review status: criteria provided, single submitter. Criteria: Invitae Variant Classification Sherloc (09022015). Collection method: clinical testing. Allele origin: germline.
Comment: In summary, the available evidence is currently insufficient to determine the role of this variant in disease. Therefore, it has been classified as a Variant of Uncertain Significance. This variant has not been reported in the literature in individuals affected with NEFH-related conditions. This variant is not present in population databases (gnomAD no frequency). This sequence change creates a premature translational stop signal (p.Tyr360*) in the NEFH gene. It is expected to result in an absent or disrupted protein product. However, the current clinical and genetic evidence is not sufficient to establish whether loss-of-function variants in NEFH cause disease.

NM_021076.4(NEFH):c.1080C>G (p.Tyr360Ter)

Gene: NEFH (neurofilament heavy chain; plus strand). Cytogenetic location: 22q12.2.
Variant type: single nucleotide variant.
Coding change: c.1080C>G on transcript NM_021076.4 (MANE Select); coding-DNA position 1080, C replaced by G.
Protein change: p.Tyr360Ter; replaces tyrosine 360 with a stop codon.
Molecular consequence: nonsense.
Genome position (GRCh38, 1-based): chr22:29,483,571, C>G. VCF-style: chr22-29483571-C-G. GRCh37 (hg19) VCF-style: chr22-29879560-C-G.
Other names: short protein forms Y360*.
Identifiers: ClinVar variation 2828658 (VCV002828658.3), dbSNP rs2517972220, ClinGen allele CA411125847.